The following is an entry in ClinVar:

ClinVar aggregate classification (germline): Uncertain significance (1 of 4 stars; one submission).

Submission:

GeneDx
Classification: Uncertain significance. Last evaluated: 2020-06-23. Review status: criteria provided, single submitter. Criteria: GeneDx Variant Classification Process June 2021. Collection method: clinical testing. Allele origin: germline. Affected: yes.
Comment: Has not been previously published as pathogenic or benign to our knowledge; No data available from control populations to assess the frequency of this variant; In silico analysis, which includes splice predictors and evolutionary conservation, suggests this variant may impact gene splicing. In the absence of RNA/functional studies, the actual effect of this sequence change is unknown.

NM_000257.4(MYH7):c.895+51_895+73delinsTCCAACTTACAAGGGATCTCACTTACCCATCATACTTCTTTTTCTGGGGTCCGCCAATATGGGGCCTCCCTACAGAACGCTTTTGATGTGCTGGGCTTCACTTCAGAGGAGAAAAACTCCATGTATAAGCTGACAGGCGCCATCAT

Gene: MYH7 (myosin heavy chain 7; minus strand). Cytogenetic location: 14q11.2.
Variant type: Indel.
Coding change: c.895+51_895+73delinsTCCAACTTACAAGGGATCTCACTTACCCATCATACTTCTTTTTCTGGGGTCCGCCAATATGGGGCCTCCCTACAGAACGCTTTTGATGTGCTGGGCTTCACTTCAGAGGAGAAAAACTCCATGTATAAGCTGACAGGCGCCATCAT on transcript NM_000257.4 (MANE Select); bases 51 to 73 of the intron after coding-DNA position 895, the reference bases replaced by an inserted sequence.
Molecular consequence: intron variant.
Genome position (GRCh38, 1-based): chr14:23,430,828-23,430,850, 23 bases replaced. GRCh37 (hg19): chr14:23,900,037-23,900,059.
Identifiers: ClinVar variation 1320366 (VCV001320366.2), dbSNP rs2138679787, ClinGen allele CA2573053880.